The following is an entry in ClinVar:

NM_001267550.2(TTN):c.69513del (p.Thr23172fs)

Genes: TTN-AS1 (TTN antisense RNA 1; plus strand), TTN (titin; minus strand). Cytogenetic location: 2q31.2.
Variant type: Deletion.
Coding change: c.69513del on transcript NM_001267550.2 (MANE Select); coding-DNA position 69513, one base deleted (T; older notation c.69513delT).
Protein change: p.Thr23172fs; shifts the reading frame from threonine 23172.
Molecular consequence: frameshift variant.
Genome position (GRCh38, 1-based): chr2:178,576,731, A deleted on the plus strand (T on the coding strand, the reverse complement: TTN is on the minus strand); the first of 2 consecutive A bases (chr2:178,576,731-178,576,732); deleting either gives the same sequence. VCF-style (leftmost placement, unchanged base first): chr2-178576730-TA-T. GRCh37 (hg19) VCF-style: chr2-179441457-TA-T.
Other names: c.64590del, p.Thr21531fs (NM_001256850.1); c.42318del, p.Thr14107fs (NM_003319.4); c.61809del, p.Thr20604fs (NM_133378.4); c.42693del, p.Thr14232fs (NM_133432.3); c.42894del, p.Thr14299fs (NM_133437.4); short protein forms T14299fs, T14107fs, T20604fs, T21531fs, T14232fs, T23172fs.
Identifiers: ClinVar variation 2949879 (VCV002949879.3), dbSNP rs2468745527, ClinGen allele CA2740096035.

ClinVar aggregate classification (germline): Likely pathogenic (1 of 4 stars; one submission).

Conditions:
Dilated cardiomyopathy 1G (CMD1G). Identifiers: Orphanet 154, MedGen C1858763, MONDO:0011400, OMIM 604145.
Autosomal recessive limb-girdle muscular dystrophy type 2J (LGMDR10). Also called: Limb-girdle muscular dystrophy, type 2J; MUSCULAR DYSTROPHY, LIMB-GIRDLE, AUTOSOMAL RECESSIVE 10. Identifiers: Orphanet 140922, MedGen C1837342, MONDO:0012127, OMIM 608807.

Submission:

Labcorp Genetics (formerly Invitae), Labcorp
Classification: Likely pathogenic for Dilated cardiomyopathy 1G; Autosomal recessive limb-girdle muscular dystrophy type 2J. Last evaluated: 2023-07-15. Review status: criteria provided, single submitter. Criteria: Invitae Variant Classification Sherloc (09022015). Collection method: clinical testing. Allele origin: germline.
Comment: In summary, the currently available evidence indicates that the variant is pathogenic, but additional data are needed to prove that conclusively. Therefore, this variant has been classified as Likely Pathogenic. This variant is not present in population databases (gnomAD no frequency). This variant has not been reported in the literature in individuals affected with TTN-related conditions. This variant is located in the A band of TTN (PMID: 25589632). Truncating variants in this region are significantly overrepresented in patients affected with dilated cardiomyopathy (PMID: 25589632). Truncating variants in this region have also been reported in individuals affected with autosomal recessive centronuclear myopathy (PMID: 23975875). This sequence change creates a premature translational stop signal (p.Thr23172Glnfs*5) in the TTN gene. While this is not anticipated to result in nonsense mediated decay, it is expected to create a truncated TTN protein.

Literature cited by the submitters: PubMed 25589632; PubMed 23975875.